The following is an entry in ClinVar:

ClinVar aggregate classification (germline): Likely benign (0 of 4 stars; one submission).

Conditions:
PCNT-related disorder. Also called: PCNT-related condition.

Allele frequency attached by ClinVar (database versions not stated): TOPMed 0.00002.

Submission:

PreventionGenetics, part of Exact Sciences
Classification: Likely benign for PCNT-related condition. Last evaluated: 2021-05-26. Review status: no assertion criteria provided. Collection method: clinical testing. Allele origin: germline.
Comment: This variant is classified as likely benign based on ACMG/AMP sequence variant interpretation guidelines (Richards et al. 2015 PMID: 25741868, with internal and published modifications).

NM_006031.6(PCNT):c.8752-24_8752-8del

Gene: PCNT (pericentrin; plus strand). Cytogenetic location: 21q22.3.
Variant type: Deletion.
Coding change: c.8752-24_8752-8del on transcript NM_006031.6 (MANE Select); 24 bases into the intron before coding-DNA position 8752 through 8 bases into the intron before coding-DNA position 8752, 17 bases deleted (CTGTCTTTTTTCTGTTA).
Molecular consequence: intron variant.
Genome position (GRCh38, 1-based): chr21:46,435,880-46,435,896, CTGTCTTTTTTCTGTTA deleted. VCF-style (leftmost placement, unchanged base first): chr21-46435879-TCTGTCTTTTTTCTGTTA-T. GRCh37 (hg19) VCF-style: chr21-47855792-TCTGTCTTTTTTCTGTTA-T.
Other names: c.8161-24_8161-8del (NM_001315529.2).
Identifiers: ClinVar variation 3034715 (VCV003034715.2), dbSNP rs1350668079, ClinGen allele CA749921576.